The following is an entry in ClinVar:

NM_177550.5(SLC13A5):c.1157-1G>T

Gene: SLC13A5 (solute carrier family 13 member 5; minus strand). Cytogenetic location: 17p13.1.
Variant type: single nucleotide variant.
Coding change: c.1157-1G>T on transcript NM_177550.5 (MANE Select); the canonical splice acceptor site of the intron before coding-DNA position 1157, G replaced by T.
Molecular consequence: splice acceptor variant.
Genome position (GRCh38, 1-based): chr17:6,693,163, C>A on the plus strand (G>T on the coding strand, the complement: SLC13A5 is on the minus strand). VCF-style: chr17-6693163-C-A. GRCh37 (hg19) VCF-style: chr17-6596482-C-A.
Other names: c.1028-1G>T (NM_001284510.2); c.1106-1G>T (NM_001284509.2); c.1157-1G>T (NM_001143838.3).
Identifiers: ClinVar variation 3239356 (VCV003239356.19), dbSNP rs2544618037.

ClinVar aggregate classification (germline): Pathogenic (1 of 4 stars; one submission).

Submission:

CeGaT Center for Human Genetics Tuebingen
Classification: Pathogenic. Last evaluated: 2024-05-01. Review status: criteria provided, single submitter. Criteria: CeGaT Center For Human Genetics Tuebingen Variant Classification Criteria Version 2. Collection method: clinical testing. Allele origin: germline. Affected: yes. Observed: 1 variant allele.
Comment: SLC13A5: PVS1, PM2, PM3:Supporting